The following is an entry in ClinVar:

NM_170754.4(TNS2):c.1645G>A (p.Gly549Arg)

Gene: TNS2 (tensin 2; plus strand). Cytogenetic location: 12q13.13.
Variant type: single nucleotide variant.
Coding change: c.1645G>A on transcript NM_170754.4 (MANE Select); coding-DNA position 1645, G replaced by A.
Protein change: p.Gly549Arg; replaces glycine 549 with arginine.
Molecular consequence: missense variant.
Genome position (GRCh38, 1-based): chr12:53,059,286, G>A. VCF-style: chr12-53059286-G-A. GRCh37 (hg19) VCF-style: chr12-53453070-G-A.
Other names: c.1645G>A, p.Gly549Arg (NM_001416202.1); c.1603G>A, p.Gly535Arg (NM_001416203.1); c.1672G>A, p.Gly558Arg (NM_001416204.1); c.1576G>A, p.Gly526Arg (NM_015319.3); c.1273G>A, p.Gly425Arg (NM_198316.2); short protein forms G558R, G549R, G526R, G535R, G425R.
Identifiers: ClinVar variation 3666425 (VCV003666425.2).

ClinVar aggregate classification (germline): Uncertain significance (1 of 4 stars; one submission).

gnomAD v4.1: 201 of 1,483,264 alleles (0.014%); highest among the groups gnomAD compares: African/African-American, 0.17%; no homozygotes.

Submission:

Labcorp Genetics (formerly Invitae), Labcorp
Classification: Uncertain significance. Last evaluated: 2026-01-25. Review status: criteria provided, single submitter. Criteria: Invitae Variant Classification Sherloc (09022015). Collection method: clinical testing. Allele origin: germline.
Comment: This sequence change replaces glycine, which is neutral and non-polar, with arginine, which is basic and polar, at codon 559 of the TNS2 protein (p.Gly559Arg). This variant is present in population databases (rs200956695, gnomAD 0.1%), and has an allele count higher than expected for a pathogenic variant. This missense change has been observed in individual(s) with nephrotic syndrome (PMID: 29773874). ClinVar contains an entry for this variant (Variation ID: 3666425). An algorithm developed to predict the effect of missense changes on protein structure and function (PolyPhen-2) suggests that this variant is likely to be disruptive. Experimental studies have shown that this missense change affects TNS2 function (PMID: 29773874). In summary, the available evidence is currently insufficient to determine the role of this variant in disease. Therefore, it has been classified as a Variant of Uncertain Significance.

Literature cited by the submitters: PubMed 29773874.